The following is an entry in ClinVar:

NM_024334.3(TMEM43):c.781-113T>C

Gene: TMEM43 (transmembrane protein 43; plus strand). Cytogenetic location: 3p25.1.
Variant type: single nucleotide variant.
Coding change: c.781-113T>C on transcript NM_024334.3 (MANE Select); 113 bases into the intron before coding-DNA position 781, T replaced by C.
Molecular consequence: intron variant.
Genome position (GRCh38, 1-based): chr3:14,135,694, T>C. VCF-style: chr3-14135694-T-C. GRCh37 (hg19) VCF-style: chr3-14177194-T-C.
Identifiers: ClinVar variation 672174 (VCV000672174.1), dbSNP rs2607765, ClinGen allele CA11494562.
Genomic context (GRCh38, chr3:14,135,694, plus strand): 5'-GCCAGAGCTGCAGAGGTGGATGCATCCCAGATGGATGTATAGAGAGAGAAGCCCCAGGGT[T>C]TCTGTGCTCACTTCCCCAGCCGGCACCCAGTCCCGGGAGGGTGGGCCATGGCTCTCGTGG-3'

ClinVar aggregate classification (germline): Benign (1 of 4 stars; one submission).

Allele frequency attached by ClinVar (database versions not stated): gnomAD exomes 0.63261; gnomAD 0.70439 and 0.70942; TOPMed 0.71365; 1000 Genomes Project 0.74581; 1000 Genomes Project 30x 0.75422.
gnomAD v4.1: 514,664 of 795,950 alleles (65%); highest among the groups gnomAD compares: African/African-American, 89%; 169,432 homozygotes.

Submission:

GeneDx
Classification: Benign. Last evaluated: 2018-06-15. Review status: criteria provided, single submitter. Criteria: GeneDx Variant Classification (06012015). Collection method: clinical testing. Allele origin: germline. Affected: yes.
Comment: This variant is considered likely benign or benign based on one or more of the following criteria: it is a conservative change, it occurs at a poorly conserved position in the protein, it is predicted to be benign by multiple in silico algorithms, and/or has population frequency not consistent with disease.